The following is an entry in ClinVar:

ClinVar aggregate classification (germline): Uncertain significance (1 of 4 stars; one submission).

Allele frequency attached by ClinVar (database versions not stated): ExAC 0.00001.
gnomAD v4.1: 12 of 1,600,788 alleles (0.00075%); highest among the groups gnomAD compares: Middle Eastern, 0.066%; no homozygotes.

Submission:

Labcorp Genetics (formerly Invitae), Labcorp
Classification: Uncertain significance. Last evaluated: 2021-09-08. Review status: criteria provided, single submitter. Criteria: Invitae Variant Classification Sherloc (09022015). Collection method: clinical testing. Allele origin: germline.
Comment: This sequence change replaces arginine with glycine at codon 388 of the VPS13C protein (p.Arg388Gly). The arginine residue is moderately conserved and there is a moderate physicochemical difference between arginine and glycine. This variant is present in population databases (rs749691218, ExAC 0.002%). This variant has not been reported in the literature in individuals affected with VPS13C-related conditions. Algorithms developed to predict the effect of missense changes on protein structure and function are either unavailable or do not agree on the potential impact of this missense change (SIFT: "Deleterious"; PolyPhen-2: "Probably Damaging"; Align-GVGD: "Class C0"). In summary, the available evidence is currently insufficient to determine the role of this variant in disease. Therefore, it has been classified as a Variant of Uncertain Significance.

NM_020821.3(VPS13C):c.1162A>G (p.Arg388Gly)

Gene: VPS13C (vacuolar protein sorting 13 homolog C; minus strand). Cytogenetic location: 15q22.2.
Variant type: single nucleotide variant.
Coding change: c.1162A>G on transcript NM_020821.3 (MANE Select); coding-DNA position 1162, A replaced by G.
Protein change: p.Arg388Gly; replaces arginine 388 with glycine.
Molecular consequence: missense variant.
Genome position (GRCh38, 1-based): chr15:62,007,436, T>C on the plus strand (A>G on the coding strand, the complement: VPS13C is on the minus strand). VCF-style: chr15-62007436-T-C. GRCh37 (hg19) VCF-style: chr15-62299635-T-C.
Other names: c.1162A>G, p.Arg388Gly (NM_001018088.3); c.1033A>G, p.Arg345Gly (NM_017684.5, NM_018080.4); short protein forms R388G, R345G.
Identifiers: ClinVar variation 1498457 (VCV001498457.6), dbSNP rs749691218, ClinGen allele CA7597182.